The following is an entry in ClinVar:

ClinVar aggregate classification (germline): Benign/Likely benign. Review status: criteria provided, multiple submitters, no conflicts (2 of 4 stars). 30 submissions from 30 submitters: Benign (11); Likely benign (9). 10 of the submissions do not count toward it. Last evaluated 2026-09-01.

Conditions:
Breast-ovarian cancer, familial, susceptibility to, 5 (BROVCA5). Identifiers: MedGen C5830615, MONDO:0957530, OMIM 620442.
Hereditary cancer-predisposing syndrome. Also called: Neoplastic Syndromes, Hereditary; Hereditary Cancer Syndrome; Tumor predisposition; Hereditary neoplastic syndrome. Identifiers: Orphanet 140162, MedGen C0027672, MeSH D009386, MONDO:0015356.
Breast and/or ovarian cancer. Identifiers: MedGen CN221562.
Familial cancer of breast. Also called: hereditary breast carcinoma; BREAST CANCER, FAMILIAL; Hereditary breast cancer. Identifiers: Orphanet 227535, MedGen C0346153, MONDO:0016419, OMIM 114480. Disease mechanism: loss of function.
Fanconi anemia complementation group N. Also called: PALB2-Related Fanconi Anemia. Identifiers: Orphanet 84, MedGen C1835817, MONDO:0012565, OMIM 610832. Disease mechanism: loss of function.
Malignant tumor of breast. Also called: Malignant breast neoplasm; Cancer breast. Identifiers: MedGen C0006142, MONDO:0007254. Disease mechanism: loss of function.

Allele frequency attached by ClinVar (database versions not stated): 1000 Genomes Project 0.00220; 1000 Genomes Project 30x 0.00234; TOPMed 0.00298; ExAC 0.00312; gnomAD 0.00312; gnomAD exomes 0.00320 and 0.00486; ESP Exome Variant Server 0.00339.
gnomAD v4.1: 7,529 of 1,614,194 alleles (0.47%); highest among the groups gnomAD compares: Non-Finnish European, 0.56%; 18 homozygotes.

Submissions 1 to 24 of 30:

CeGaT Center for Human Genetics Tuebingen
Classification: Likely benign. Last evaluated: 2026-09-01. Review status: criteria provided, single submitter. Criteria: CeGaT Center For Human Genetics Tuebingen Variant Classification Criteria Version 2. Collection method: clinical testing. Allele origin: germline. Affected: yes. Observed: 55 variant alleles.
Comment: PALB2: BP4, BP7, BS2

Labcorp Genetics (formerly Invitae), Labcorp
Classification: Benign for Familial cancer of breast. Last evaluated: 2026-02-04. Review status: criteria provided, single submitter. Criteria: Invitae Variant Classification Sherloc (09022015). Collection method: clinical testing. Allele origin: germline.

Quest Diagnostics Nichols Institute San Juan Capistrano
Classification: Benign. Last evaluated: 2025-06-03. Review status: criteria provided, single submitter. Criteria: Quest Diagnostics criteria. Collection method: clinical testing. Allele origin: unknown.

ARUP Laboratories, Molecular Genetics and Genomics, ARUP Laboratories
Classification: Benign. Last evaluated: 2025-04-14. Review status: criteria provided, single submitter. Criteria: ARUP Molecular Germline Variant Investigation Process 2024. Collection method: clinical testing. Allele origin: germline.

Center for Genomic Medicine, Rigshospitalet, Copenhagen University Hospital
Classification: Likely benign. Last evaluated: 2025-03-04. Review status: criteria provided, single submitter. Criteria: ACMG Guidelines, 2015. Collection method: clinical testing. Allele origin: germline.

KCCC/NGS Laboratory, Kuwait Cancer Control Center
Classification: Benign for Breast-ovarian cancer, familial, susceptibility to, 5. Last evaluated: 2025-02-01. Review status: criteria provided, single submitter. Criteria: ACMG Guidelines, 2015. Collection method: clinical testing. Allele origin: germline. Affected: no.

Myriad Genetics, Inc.
Classification: Benign for Familial cancer of breast. Last evaluated: 2025-01-14. Review status: criteria provided, single submitter. Criteria: Myriad Autosomal Dominant, Autosomal Recessive and X-Linked Classification Criteria (2023). Collection method: clinical testing. Allele origin: unknown.
Comment: This variant is considered benign. This variant is a silent/synonymous amino acid change and it is not expected to impact splicing.

Blueprint Genetics
Classification: Likely benign. Last evaluated: 2024-11-22. Review status: criteria provided, single submitter. Criteria: ACMG Guidelines, 2015. Collection method: clinical testing. Allele origin: germline.

Mayo Clinic Laboratories, Mayo Clinic
Classification: Benign. Last evaluated: 2024-10-29. Review status: criteria provided, single submitter. Criteria: ACMG Guidelines, 2015. Collection method: clinical testing. Allele origin: germline. Observed: 14 variant alleles.
Comment: BA1, BP4, BP7

CHEO Genetics Diagnostic Laboratory, Children's Hospital of Eastern Ontario
Classification: Benign for Breast and/or ovarian cancer. Last evaluated: 2023-04-12. Review status: criteria provided, single submitter. Criteria: ACMG Guidelines, 2015. Collection method: clinical testing. Allele origin: germline.

Genetic Services Laboratory, University of Chicago
Classification: Likely benign. Last evaluated: 2021-12-30. Review status: criteria provided, single submitter. Criteria: ACMG Guidelines, 2015. Collection method: clinical testing. Allele origin: germline. Affected: no.

Sema4
Classification: Benign for Hereditary cancer-predisposing syndrome. Last evaluated: 2020-07-02. Review status: criteria provided, single submitter. Criteria: Sema4 Curation Guidelines. Collection method: curation. Allele origin: germline.

Institute for Biomarker Research, Medical Diagnostic Laboratories, L.L.C.
Classification: Likely benign for Hereditary cancer-predisposing syndrome. Last evaluated: 2018-05-23. Review status: criteria provided, single submitter. Criteria: ACMG Guidelines, 2015. Collection method: clinical testing. Allele origin: germline.

Illumina Laboratory Services, Illumina
Classification: Likely benign for Fanconi anemia complementation group N. Last evaluated: 2017-04-27. Review status: criteria provided, single submitter. Criteria: ICSL Variant Classification Criteria 13 December 2019. Collection method: clinical testing. Allele origin: germline.
Comment: This variant was observed as part of a predisposition screen in an ostensibly healthy population. A literature search was performed for the gene, cDNA change, and amino acid change (where applicable). No publications were found based on this search. Allele frequency data from public databases allowed determination this variant is unlikely to cause disease. Therefore, this variant is classified as likely benign.

PreventionGenetics, part of Exact Sciences
Classification: Benign. Last evaluated: 2017-01-30. Review status: criteria provided, single submitter. Criteria: ACMG Guidelines, 2015. Collection method: clinical testing. Allele origin: germline.

Ambry Genetics
Classification: Likely benign for Hereditary cancer-predisposing syndrome. Last evaluated: 2016-01-26. Review status: criteria provided, single submitter. Criteria: Ambry Variant Classification Scheme 2023. Collection method: clinical testing. Allele origin: germline.

Cancer Genetics Laboratory, Peter MacCallum Cancer Centre
Classification: Likely benign for Familial cancer of breast. Last evaluated: 2015-06-01. Review status: criteria provided, single submitter. Criteria: Thompson et al. (Breast Cancer Res. 2015). Collection method: case-control. Allele origin: germline. Affected: yes and no. Observed: 51 variant alleles, 51 heterozygotes.

Color Diagnostics, LLC DBA Color Health
Classification: Benign for Hereditary cancer-predisposing syndrome. Last evaluated: 2015-04-22. Review status: criteria provided, single submitter. Criteria: ACMG Guidelines, 2015. Collection method: clinical testing. Allele origin: germline.

GeneDx
Classification: Benign. Last evaluated: 2013-11-05. Review status: criteria provided, single submitter. Criteria: GeneDx Variant Classification (06012015). Collection method: clinical testing. Allele origin: germline. Affected: yes.
Comment: This variant is considered likely benign or benign based on one or more of the following criteria: it is a conservative change, it occurs at a poorly conserved position in the protein, it is predicted to be benign by multiple in silico algorithms, and/or has population frequency not consistent with disease.

Breakthrough Genomics
Classification: Likely benign. Review status: criteria provided, single submitter. Criteria: ACMG Guidelines, 2015. Collection method: not provided. Allele origin: germline. Inheritance: Autosomal dominant inheritance. Affected: yes.

Leiden Open Variation Database
Classification: Benign. Last evaluated: 2019-05-13. Review status: no assertion criteria provided. Collection method: curation. Allele origin: germline. Affected: yes. Not counted in ClinVar's aggregate classification.
Comment: Curators: Marc Tischkowitz, Arleen D. Auerbach. Submitter to LOVD: Marc Tischkowitz.

True Health Diagnostics
Classification: Likely benign for Hereditary cancer-predisposing syndrome. Last evaluated: 2018-01-12. Review status: no assertion criteria provided. Collection method: clinical testing. Allele origin: germline. Not counted in ClinVar's aggregate classification.

Clinical Genetics DNA and cytogenetics Diagnostics Lab, Erasmus MC, Erasmus Medical Center
Classification: Likely benign. Review status: no assertion criteria provided. Collection method: clinical testing. Allele origin: germline. Affected: yes. Study: VKGL Data-share Consensus. Not counted in ClinVar's aggregate classification.

Clinical Genetics Laboratory, Department of Pathology, Netherlands Cancer Institute
Classification: Likely benign. Review status: no assertion criteria provided. Collection method: clinical testing. Allele origin: germline. Affected: yes. Study: VKGL Data-share Consensus. Not counted in ClinVar's aggregate classification.

NM_024675.4(PALB2):c.1572A>G (p.Ser524=)

Gene: PALB2 (partner and localizer of BRCA2; minus strand). Cytogenetic location: 16p12.2.
Variant type: single nucleotide variant.
Coding change: c.1572A>G on transcript NM_024675.4 (MANE Select); coding-DNA position 1572, A replaced by G.
Protein change: p.Ser524=; no amino-acid change (serine 524 retained).
Molecular consequence: synonymous variant.
Genome position (GRCh38, 1-based): chr16:23,634,974, T>C on the plus strand (A>G on the coding strand, the complement: PALB2 is on the minus strand). VCF-style: chr16-23634974-T-C. GRCh37 (hg19) VCF-style: chr16-23646295-T-C.
Other names: p.S524S:TCA>TCG.
Identifiers: ClinVar variation 126608 (VCV000126608.97), dbSNP rs45472400, ClinGen allele CA151226.
Genomic context (GRCh38, chr16:23,634,974, plus strand): 5'-TTCCTTGGACCTGTTAACAATCGACAGGCTAGAAGTTGGCAAAAGTGGTTCACAATGATC[T>C]GATGCTGGGGTGCAGGCTGATTTTCTTTTTCCTGTGTATCTTCTACCAGGTGCTTGGGCA-3'
Protein context (NP_078951.2, residues 514-534): GKRKSACTPA[Ser524=]DHCEPLLPTS